The following is an entry in ClinVar:

NM_033124.5(DRC2):c.791A>G (p.Lys264Arg)

Gene: DRC2 (dynein regulatory complex subunit 2; plus strand). Cytogenetic location: 12q13.12.
Variant type: single nucleotide variant.
Coding change: c.791A>G on transcript NM_033124.5 (MANE Select); coding-DNA position 791, A replaced by G.
Protein change: p.Lys264Arg; replaces lysine 264 with arginine.
Molecular consequence: missense variant.
Genome position (GRCh38, 1-based): chr12:48,918,456, A>G. VCF-style: chr12-48918456-A-G. GRCh37 (hg19) VCF-style: chr12-49312239-A-G.
Other names: c.362A>G, p.Lys121Arg (NM_001286957.2); short protein forms K121R, K264R.
Identifiers: ClinVar variation 3630761 (VCV003630761.2).

ClinVar aggregate classification (germline): Uncertain significance (1 of 4 stars; one submission).

Conditions:
Primary ciliary dyskinesia 27. Also called: CILIARY DYSKINESIA, PRIMARY, 27, WITHOUT SITUS INVERSUS. Identifiers: Orphanet 244, MedGen C3809701, MONDO:0014215, OMIM 615504.

gnomAD v4.1: 1 of 1,614,096 alleles (0.000062%); no homozygotes.

Submission:

Labcorp Genetics (formerly Invitae), Labcorp
Classification: Uncertain significance for Primary ciliary dyskinesia 27. Last evaluated: 2024-06-30. Review status: criteria provided, single submitter. Criteria: Invitae Variant Classification Sherloc (09022015). Collection method: clinical testing. Allele origin: germline.
Comment: This sequence change replaces lysine, which is basic and polar, with arginine, which is basic and polar, at codon 264 of the CCDC65 protein (p.Lys264Arg). This variant is not present in population databases (gnomAD no frequency). This variant has not been reported in the literature in individuals affected with CCDC65-related conditions. Algorithms developed to predict the effect of missense changes on protein structure and function output the following: SIFT: "Not Available"; PolyPhen-2: "Benign"; Align-GVGD: "Not Available". The arginine amino acid residue is found in multiple mammalian species, which suggests that this missense change does not adversely affect protein function. In summary, the available evidence is currently insufficient to determine the role of this variant in disease. Therefore, it has been classified as a Variant of Uncertain Significance.